The following is an entry in ClinVar:

NM_182894.3(VSX2):c.62_63insTGTCTCTTATACACAT (p.Ser22fs)

Gene: VSX2 (visual system homeobox 2; plus strand). Cytogenetic location: 14q24.3.
Variant type: Insertion.
Coding change: c.62_63insTGTCTCTTATACACAT on transcript NM_182894.3 (MANE Select); coding-DNA positions 62 to 63, TGTCTCTTATACACAT inserted.
Protein change: p.Ser22fs; shifts the reading frame from serine 22.
Molecular consequence: frameshift variant.
Genome position: GRCh38 VCF-style: chr14-74239623-C-CTGTCTCTTATACACAT. GRCh37 (hg19) VCF-style: chr14-74706326-C-CTGTCTCTTATACACAT.
Other names: short protein forms S22fs.
Identifiers: ClinVar variation 5010448 (VCV005010448.1).
Genomic context (GRCh38, chr14:74,239,623, plus strand): 5'-TGACGGGGAAAGCAGGGGAAGCGCTGAGCAAGCCCAAATCCGAGACAGTGGCCAAGAGTA[C>CTGTCTCTTATACACAT]CTCGGGGGGCGCCCCGGCCAGGTGCACTGGGTTCGGCATCCAGGAGATCCTGGGCTTGAA-3'

ClinVar aggregate classification (germline): Pathogenic (1 of 4 stars; one submission).

Conditions:
Microphthalmia, isolated, with coloboma 3 (MCOPCB3). Also called: MICROPHTHALMIA/COLOBOMA 3; MICROPHTHALMIA, COLOBOMATOUS, 3. Identifiers: Orphanet 98938, MedGen C1864721, MONDO:0012408, OMIM 610092.

Submission:

Myriad Genetics, Inc.
Classification: Pathogenic for Microphthalmia, isolated, with coloboma 3. Last evaluated: 2024-05-14. Review status: criteria provided, single submitter. Criteria: Myriad Autosomal Dominant, Autosomal Recessive and X-Linked Classification Criteria (2023). Collection method: clinical testing. Allele origin: unknown.
Comment: NM_182894.2(VSX2):c.62_63ins16(S22Vfs*110) is expected to be pathogenic in the context of microphthalmia, anophthalmia, and coloboma, VSX2-related. This variant is predicted to lead to an abnormal or absent protein product due to the creation of a premature termination codon in VSX2, a gene where loss-of-function variants are known to be pathogenic. Please note: this variant was assessed in the context of healthy population screening.